The following is an entry in ClinVar:

NM_001283009.2(RTEL1):c.3299C>T (p.Ala1100Val)

Genes: RTEL1 (regulator of telomere elongation helicase 1; plus strand), RTEL1-TNFRSF6B (RTEL1-TNFRSF6B readthrough (NMD candidate); plus strand). Cytogenetic location: 20q13.33.
Variant type: single nucleotide variant.
Coding change: c.3299C>T on transcript NM_001283009.2 (MANE Select); coding-DNA position 3299, C replaced by T.
Protein change: p.Ala1100Val; replaces alanine 1100 with valine.
Molecular consequence: missense variant. On other transcripts: non-coding transcript variant (1).
Genome position (GRCh38, 1-based): chr20:63,694,930, C>T. VCF-style: chr20-63694930-C-T. GRCh37 (hg19) VCF-style: chr20-62326283-C-T.
Other names: c.2630C>T, p.Ala877Val (NM_001283010.1); c.3299C>T, p.Ala1100Val (NM_016434.4); c.3371C>T, p.Ala1124Val (NM_032957.5); short protein forms A1124V, A1100V, A877V.
Identifiers: ClinVar variation 3948426 (VCV003948426.1).

ClinVar aggregate classification (germline): Uncertain significance (1 of 4 stars; one submission).

Conditions:
Inborn genetic diseases. Identifiers: MedGen C0950123, MeSH D030342.

gnomAD v4.1: 3 of 1,612,484 alleles (0.00019%); highest among the groups gnomAD compares: African/African-American, 0.0013%; no homozygotes.

Submission:

Ambry Genetics
Classification: Uncertain significance for Inborn genetic diseases. Last evaluated: 2025-05-27. Review status: criteria provided, single submitter. Criteria: Ambry Variant Classification Scheme 2023. Collection method: clinical testing. Allele origin: germline.
Comment: The p.A1100V variant (also known as c.3299C>T), located in coding exon 31 of the RTEL1 gene, results from a C to T substitution at nucleotide position 3299. The alanine at codon 1100 is replaced by valine, an amino acid with similar properties. This amino acid position is conserved. In addition, the in silico prediction for this alteration is inconclusive. Based on the available evidence, the clinical significance of this variant remains unclear.